The following is an entry in ClinVar:

NM_006721.4(ADK):c.726+11T>G

Genes: ADK (adenosine kinase; plus strand), ADK-AS1 (ADK antisense RNA 1; minus strand). Cytogenetic location: 10q22.2.
Variant type: single nucleotide variant.
Coding change: c.726+11T>G on transcript NM_006721.4 (MANE Select); 11 bases into the intron after coding-DNA position 726, T replaced by G.
Molecular consequence: intron variant.
Genome position (GRCh38, 1-based): chr10:74,525,437, T>G. VCF-style: chr10-74525437-T-G. GRCh37 (hg19) VCF-style: chr10-76285195-T-G.
Other names: c.726+11T>G (NM_001369123.1); c.556-63845T>G (NM_001202450.2); c.675+11T>G (NM_001123.4); c.505-63845T>G (NM_001369124.1); c.621+11T>G (NM_001202449.2).
Identifiers: ClinVar variation 300840 (VCV000300840.21), dbSNP rs45529443, ClinGen allele CA5564021.

ClinVar aggregate classification (germline): Benign/Likely benign. Review status: criteria provided, multiple submitters, no conflicts (2 of 4 stars). 4 submissions from 4 submitters: Benign (2); Likely benign (2). Last evaluated 2026-01-27.

Conditions:
Adenosine kinase deficiency. Also called: MENTAL RETARDATION, AUTOSOMAL RECESSIVE 8; Hypermethioninemia due to adenosine kinase deficiency. Identifiers: Orphanet 289290, Orphanet 88616, MedGen C4706555, MONDO:0100255, OMIM 614300.

Allele frequency attached by ClinVar (database versions not stated): gnomAD 0.01039 and 0.01033; gnomAD exomes 0.01179 and 0.01616; ESP Exome Variant Server 0.01300; 1000 Genomes Project 0.00419; 1000 Genomes Project 30x 0.00422; TOPMed 0.00981.
gnomAD v4.1: 24,881 of 1,606,324 alleles (1.5%); highest among the groups gnomAD compares: Non-Finnish European, 1.8%; 252 homozygotes.

Submissions (4):

Labcorp Genetics (formerly Invitae), Labcorp
Classification: Benign. Last evaluated: 2026-01-27. Review status: criteria provided, single submitter. Criteria: Invitae Variant Classification Sherloc (09022015). Collection method: clinical testing. Allele origin: germline.

ARUP Laboratories, Molecular Genetics and Genomics, ARUP Laboratories
Classification: Likely benign for Adenosine kinase deficiency. Last evaluated: 2023-11-03. Review status: criteria provided, single submitter. Criteria: ARUP Molecular Germline Variant Investigation Process 2024. Collection method: clinical testing. Allele origin: germline.

Illumina Laboratory Services, Illumina
Classification: Benign for Adenosine kinase deficiency. Last evaluated: 2018-01-12. Review status: criteria provided, single submitter. Criteria: ICSL Variant Classification Criteria 13 December 2019. Collection method: clinical testing. Allele origin: germline.
Comment: This variant was observed in the ICSL laboratory as part of a predisposition screen in an ostensibly healthy population. It had not been previously curated by ICSL or reported in the Human Gene Mutation Database (HGMD: prior to June 1st, 2018), and was therefore a candidate for classification through an automated scoring system. Utilizing variant allele frequency, disease prevalence and penetrance estimates, and inheritance mode, an automated score was calculated to assess if this variant is too frequent to cause the disease. Based on the score and internal cut-off values, a variant classified as benign is not then subjected to further curation. The score for this variant resulted in a classification of benign for this disease.

Breakthrough Genomics
Classification: Likely benign. Review status: criteria provided, single submitter. Criteria: ACMG Guidelines, 2015. Collection method: not provided. Allele origin: germline. Inheritance: Autosomal recessive inheritance. Affected: yes.